The following is an entry in ClinVar:

NM_001384474.1(LOXHD1):c.2707G>A (p.Val903Met)

Gene: LOXHD1 (lipoxygenase homology PLAT domains 1; minus strand). Cytogenetic location: 18q21.1.
Variant type: single nucleotide variant.
Coding change: c.2707G>A on transcript NM_001384474.1 (MANE Select); coding-DNA position 2707, G replaced by A.
Protein change: p.Val903Met; replaces valine 903 with methionine.
Molecular consequence: missense variant.
Genome position (GRCh38, 1-based): chr18:46,560,437, C>T on the plus strand (G>A on the coding strand, the complement: LOXHD1 is on the minus strand). VCF-style: chr18-46560437-C-T. GRCh37 (hg19) VCF-style: chr18-44140400-C-T.
Other names: c.2707G>A, p.Val903Met (NM_144612.7); c.2707G>A (NM_144612.6); short protein forms V903M.
Identifiers: ClinVar variation 2076205 (VCV002076205.2), dbSNP rs368543971, ClinGen allele CA8952629.
Genomic context (GRCh38, chr18:46,560,437, plus strand): 5'-GCTTGTCCTTCTCCTTCTTCTTCCGGGCCTCCTCCTCCGGCGTGAGGTCCACCTCCCGCA[C>T]CACCAGGTGCCGCAGCCACACGGTGTCCACGAACCAGCTGGGCCCAAAGCCCTCGCCCGT-3'
Protein context (NP_001371403.1, residues 893-913): VDTVWLRHLV[Val903Met]REVDLTPEEE

ClinVar aggregate classification (germline): Uncertain significance. Review status: criteria provided, multiple submitters, no conflicts (2 of 4 stars). 2 submissions from 2 submitters: Uncertain significance (2). Last evaluated 2025-02-09.

Conditions:
Inborn genetic diseases. Identifiers: MedGen C0950123, MeSH D030342.

Allele frequency attached by ClinVar (database versions not stated): gnomAD exomes 0.00002; ExAC 0.00005; TOPMed 0.00010; gnomAD 0.00011; ESP Exome Variant Server 0.00022.
gnomAD v4.1: 45 of 1,545,118 alleles (0.0029%); highest among the groups gnomAD compares: African/African-American, 0.029%; no homozygotes.

Submissions (2):

Ambry Genetics
Classification: Uncertain significance for Inborn genetic diseases. Last evaluated: 2025-02-09. Review status: criteria provided, single submitter. Criteria: Ambry Variant Classification Scheme 2023. Collection method: clinical testing. Allele origin: germline.

Labcorp Genetics (formerly Invitae), Labcorp
Classification: Uncertain significance. Last evaluated: 2022-09-06. Review status: criteria provided, single submitter. Criteria: Invitae Variant Classification Sherloc (09022015). Collection method: clinical testing. Allele origin: germline.
Comment: This sequence change replaces valine, which is neutral and non-polar, with methionine, which is neutral and non-polar, at codon 903 of the LOXHD1 protein (p.Val903Met). This variant is present in population databases (rs368543971, gnomAD 0.02%). This variant has not been reported in the literature in individuals affected with LOXHD1-related conditions. Algorithms developed to predict the effect of missense changes on protein structure and function are either unavailable or do not agree on the potential impact of this missense change (SIFT: "Deleterious"; PolyPhen-2: "Benign"; Align-GVGD: "Class C0"). In summary, the available evidence is currently insufficient to determine the role of this variant in disease. Therefore, it has been classified as a Variant of Uncertain Significance.